The following is an entry in ClinVar:

ClinVar aggregate classification (germline): Pathogenic (1 of 4 stars; one submission).

Conditions:
Myasthenic syndrome, congenital, 22 (CMS22). Also called: PREPL DEFICIENCY. Identifiers: MedGen C4479088, MONDO:0044299, OMIM 616224.

Submission:

Labcorp Genetics (formerly Invitae), Labcorp
Classification: Pathogenic for Myasthenic syndrome, congenital, 22. Last evaluated: 2024-10-05. Review status: criteria provided, single submitter. Criteria: Invitae Variant Classification Sherloc (09022015). Collection method: clinical testing. Allele origin: germline.
Comment: This sequence change creates a premature translational stop signal (p.Glu536*) in the PREPL gene. It is expected to result in an absent or disrupted protein product. Loss-of-function variants in PREPL are known to be pathogenic (PMID: 24610330, 28726805, 29913539). This variant is not present in population databases (gnomAD no frequency). This variant has not been reported in the literature in individuals affected with PREPL-related conditions. Algorithms developed to predict the effect of sequence changes on RNA splicing suggest that this variant may disrupt the consensus splice site. For these reasons, this variant has been classified as Pathogenic.

Literature cited by the submitters: PubMed 24610330; PubMed 28726805; PubMed 29913539.

NM_001171613.2(PREPL):c.1339G>T (p.Glu447Ter)

Gene: PREPL (prolyl endopeptidase like; minus strand). Cytogenetic location: 2p21.
Variant type: single nucleotide variant.
Coding change: c.1339G>T on transcript NM_001171613.2 (MANE Select); coding-DNA position 1339, G replaced by T.
Protein change: p.Glu447Ter; replaces glutamic acid 447 with a stop codon.
Molecular consequence: nonsense.
Genome position (GRCh38, 1-based): chr2:44,326,852, C>A on the plus strand (G>T on the coding strand, the complement: PREPL is on the minus strand). VCF-style: chr2-44326852-C-A. GRCh37 (hg19) VCF-style: chr2-44553991-C-A.
Other names: c.1420G>T, p.Glu474Ter (NM_001042385.2); c.1408G>T, p.Glu470Ter (NM_001042386.2); c.1606G>T, p.Glu536Ter (NM_001171603.1, NM_001171606.2, NM_001374275.1 and 2 more transcripts); c.1339G>T, p.Glu447Ter (NM_001171617.1, NM_001374277.1); short protein forms E474*, E536*, E447*, E470*.
Identifiers: ClinVar variation 3722264 (VCV003722264.2).